The following is an entry in ClinVar:

ClinVar aggregate classification (germline): Conflicting classifications of pathogenicity. Review status: criteria provided, conflicting classifications (1 of 4 stars). 4 submissions from 4 submitters: Uncertain significance (2); Likely benign (2). Last evaluated 2025-09-24.

Conditions:
Hereditary cancer-predisposing syndrome. Also called: Tumor predisposition; Hereditary Cancer Syndrome; Neoplastic Syndromes, Hereditary; Hereditary neoplastic syndrome. Identifiers: Orphanet 140162, MedGen C0027672, MeSH D009386, MONDO:0015356.
Neuroblastoma, susceptibility to, 3. Also called: ALK-Related Neuroblastic Tumor Susceptibility. Identifiers: Orphanet 635, MedGen C2751681, MONDO:0013083, OMIM 613014.

Allele frequency attached by ClinVar (database versions not stated): gnomAD exomes 0.00001.
gnomAD v4.1: 13 of 1,613,788 alleles (0.00081%); highest among the groups gnomAD compares: Non-Finnish European, 0.0011%; no homozygotes.

Submissions (4):

Labcorp Genetics (formerly Invitae), Labcorp
Classification: Likely benign for Neuroblastoma, susceptibility to, 3. Last evaluated: 2025-09-24. Review status: criteria provided, single submitter. Criteria: Invitae Variant Classification Sherloc (09022015). Collection method: clinical testing. Allele origin: germline.

GeneDx
Classification: Uncertain significance. Last evaluated: 2023-05-09. Review status: criteria provided, single submitter. Criteria: GeneDx Variant Classification Process June 2021. Collection method: clinical testing. Allele origin: germline. Affected: yes.
Comment: Not observed at significant frequency in large population cohorts (gnomAD); In silico analysis supports that this variant does not alter splicing; Has not been previously published as pathogenic or benign to our knowledge

Ambry Genetics
Classification: Likely benign for Hereditary cancer-predisposing syndrome. Last evaluated: 2022-07-01. Review status: criteria provided, single submitter. Criteria: Ambry Variant Classification Scheme 2023. Collection method: clinical testing. Allele origin: germline.

Illumina Laboratory Services, Illumina
Classification: Uncertain significance for Neuroblastoma, susceptibility to, 3. Last evaluated: 2018-01-13. Review status: criteria provided, single submitter. Criteria: ICSL Variant Classification Criteria 13 December 2019. Collection method: clinical testing. Allele origin: germline.

NM_004304.5(ALK):c.2901C>A (p.Thr967=)

Gene: ALK (ALK receptor tyrosine kinase; minus strand). Cytogenetic location: 2p23.2.
Variant type: single nucleotide variant.
Coding change: c.2901C>A on transcript NM_004304.5 (MANE Select); coding-DNA position 2901, C replaced by A.
Protein change: p.Thr967=; no amino-acid change (threonine 967 retained).
Molecular consequence: synonymous variant.
Genome position (GRCh38, 1-based): chr2:29,227,587, G>T on the plus strand (C>A on the coding strand, the complement: ALK is on the minus strand). VCF-style: chr2-29227587-G-T. GRCh37 (hg19) VCF-style: chr2-29450453-G-T.
Identifiers: ClinVar variation 335699 (VCV000335699.17), dbSNP rs886055930, ClinGen allele CA10613632.